The following is an entry in ClinVar:

NM_001735.3(C5):c.2206A>G (p.Ser736Gly)

Gene: C5 (complement C5; minus strand). Cytogenetic location: 9q33.2.
Variant type: single nucleotide variant.
Coding change: c.2206A>G on transcript NM_001735.3 (MANE Select); coding-DNA position 2206, A replaced by G.
Protein change: p.Ser736Gly; replaces serine 736 with glycine.
Molecular consequence: missense variant.
Genome position (GRCh38, 1-based): chr9:121,013,924, T>C on the plus strand (A>G on the coding strand, the complement: C5 is on the minus strand). VCF-style: chr9-121013924-T-C. GRCh37 (hg19) VCF-style: chr9-123776202-T-C.
Other names: c.2224A>G, p.Ser742Gly (NM_001317163.2); c.2206A>G, p.Ser736Gly (NM_001317164.2); short protein forms S736G, S742G.
Identifiers: ClinVar variation 1416069 (VCV001416069.4), dbSNP rs778780304, ClinGen allele CA5217843.

ClinVar aggregate classification (germline): Uncertain significance. Review status: criteria provided, multiple submitters, no conflicts (2 of 4 stars). 2 submissions from 2 submitters: Uncertain significance (2). Last evaluated 2021-12-05.

Conditions:
Complement component 5 deficiency. Also called: C5 DEFICIENCY. Identifiers: MedGen C0343047, MONDO:0012295, OMIM 609536.
Eculizumab, poor response to. Identifiers: MedGen C3810402, OMIM 615749.

Allele frequency attached by ClinVar (database versions not stated): ExAC 0.00001; gnomAD exomes 0.00001 and 0.00002; gnomAD 0.00002 and 0.00003; TOPMed 0.00002.
gnomAD v4.1: 11 of 1,614,082 alleles (0.00068%); highest among the groups gnomAD compares: Admixed American, 0.013%; no homozygotes.

Submissions (2):

Fulgent Genetics
Classification: Uncertain significance for Complement component 5 deficiency; Eculizumab, poor response to. Last evaluated: 2021-12-05. Review status: criteria provided, single submitter. Criteria: ACMG Guidelines, 2015. Collection method: clinical testing. Allele origin: unknown.

Labcorp Genetics (formerly Invitae), Labcorp
Classification: Uncertain significance. Last evaluated: 2021-08-17. Review status: criteria provided, single submitter. Criteria: Invitae Variant Classification Sherloc (09022015). Collection method: clinical testing. Allele origin: germline.
Comment: This sequence change replaces serine with glycine at codon 736 of the C5 protein (p.Ser736Gly). The serine residue is weakly conserved and there is a small physicochemical difference between serine and glycine. This variant is present in population databases (rs778780304, ExAC 0.001%). This variant has not been reported in the literature in individuals affected with C5-related conditions. Algorithms developed to predict the effect of missense changes on protein structure and function (SIFT, PolyPhen-2, Align-GVGD) all suggest that this variant is likely to be tolerated. Algorithms developed to predict the effect of sequence changes on RNA splicing suggest that this variant may create or strengthen a splice site. In summary, the available evidence is currently insufficient to determine the role of this variant in disease. Therefore, it has been classified as a Variant of Uncertain Significance.